The following is an entry in ClinVar:

NM_000053.4(ATP7B):c.51dup

Gene: ATP7B (ATPase copper transporting beta; minus strand). Cytogenetic location: 13q14.3.
Variant type: Duplication.
Coding change: c.51dup on transcript NM_000053.4 (MANE Select); coding-DNA position 51, one base duplicated (A; older notation c.51dupA).
Molecular consequence: frameshift variant.
Genome position (GRCh38, 1-based): chr13:52,011,287, T duplicated on the plus strand (A on the coding strand, the reverse complement: ATP7B is on the minus strand); the first of 3 consecutive T bases (chr13:52,011,287-52,011,289); duplicating any one gives the same sequence. VCF-style (leftmost placement, unchanged base first): chr13-52011286-C-CT. GRCh37 (hg19) VCF-style: chr13-52585422-C-CT.
Other names: c.52dup, p.Ile18fs (NM_000053.4, NM_001005918.3, NM_001243182.2 and 2 more transcripts); c.51dupA (NM_000053.3); short protein forms I18fs.
Identifiers: ClinVar variation 1069397 (VCV001069397.9), dbSNP rs1954023351, ClinGen allele CA956055652.

ClinVar aggregate classification (germline): Pathogenic/Likely pathogenic. Review status: criteria provided, multiple submitters, no conflicts (2 of 4 stars). 3 submissions from 3 submitters: Pathogenic (1); Likely pathogenic (2). Last evaluated 2025-12-21.

Conditions:
Wilson disease (WND). Also called: Wilson's disease. Identifiers: Orphanet 905, MedGen C0019202, MONDO:0010200, OMIM 277900. Disease mechanism: loss of function.

Submissions (3):

Labcorp Genetics (formerly Invitae), Labcorp
Classification: Pathogenic for Wilson disease. Last evaluated: 2025-12-21. Review status: criteria provided, single submitter. Criteria: Invitae Variant Classification Sherloc (09022015). Collection method: clinical testing. Allele origin: germline.
Comment: This sequence change creates a premature translational stop signal (Splice site) in the ATP7B gene. It is expected to result in an absent or disrupted protein product. Loss-of-function variants in ATP7B are known to be pathogenic (PMID: 10441329, 16283883). This variant is not present in population databases (gnomAD no frequency). This variant has not been reported in the literature in individuals affected with ATP7B-related conditions. ClinVar contains an entry for this variant (Variation ID: 1069397). Algorithms developed to predict the effect of sequence changes on RNA splicing suggest that this variant may disrupt the consensus splice site. For these reasons, this variant has been classified as Pathogenic.

Natera, Inc.
Classification: Likely pathogenic for Wilson disease. Last evaluated: 2024-02-21. Review status: criteria provided, single submitter. Criteria: Natera Variant Classification Schema (03/2026). Collection method: clinical testing. Allele origin: germline.
Comment: The c.51dupA variant in ATP7B is a frameshift variant predicted to shift the reading frame beginning at codon 18 and leads to a stop codon 4 codons downstream. This variant is expected to result in nonsense mediated decay, truncation, or a dysfunctional protein product. This variant is rare in the general population with a frequency below the threshold expected for the associated phenotype(s). Given the available evidence, this variant is classified as Likely Pathogenic.

Fulgent Genetics
Classification: Likely pathogenic for Wilson disease. Last evaluated: 2021-07-06. Review status: criteria provided, single submitter. Criteria: ACMG Guidelines, 2015. Collection method: clinical testing. Allele origin: unknown.

Literature cited by the submitters: PubMed 10441329 (cited by Labcorp Genetics (formerly Invitae), Labcorp); PubMed 16283883 (cited by Labcorp Genetics (formerly Invitae), Labcorp).